The following is an entry in ClinVar:

ClinVar aggregate classification (germline): Uncertain significance (1 of 4 stars; one submission).

Conditions:
Hereditary cancer-predisposing syndrome. Also called: Tumor predisposition; Hereditary neoplastic syndrome; Hereditary Cancer Syndrome; Neoplastic Syndromes, Hereditary. Identifiers: Orphanet 140162, MedGen C0027672, MeSH D009386, MONDO:0015356.

Submission:

Ambry Genetics
Classification: Uncertain significance for Hereditary cancer-predisposing syndrome. Last evaluated: 2023-11-18. Review status: criteria provided, single submitter. Criteria: Ambry Variant Classification Scheme 2023. Collection method: clinical testing. Allele origin: germline.
Comment: The p.I696M variant (also known as c.2088C>G), located in coding exon 17 of the BAP1 gene, results from a C to G substitution at nucleotide position 2088. The isoleucine at codon 696 is replaced by methionine, an amino acid with highly similar properties. This amino acid position is conserved. In addition, the in silico prediction for this alteration is inconclusive. Since supporting evidence is limited at this time, the clinical significance of this alteration remains unclear.

NM_004656.4(BAP1):c.2088C>G (p.Ile696Met)

Gene: BAP1 (BRCA1 associated deubiquitinase 1; minus strand). Cytogenetic location: 3p21.1.
Variant type: single nucleotide variant.
Coding change: c.2088C>G on transcript NM_004656.4 (MANE Select); coding-DNA position 2088, C replaced by G.
Protein change: p.Ile696Met; replaces isoleucine 696 with methionine.
Molecular consequence: missense variant.
Genome position (GRCh38, 1-based): chr3:52,402,390, G>C on the plus strand (C>G on the coding strand, the complement: BAP1 is on the minus strand). VCF-style: chr3-52402390-G-C. GRCh37 (hg19) VCF-style: chr3-52436406-G-C.
Other names: c.2034C>G, p.Ile678Met (NM_001410772.1); short protein forms I678M, I696M.
Identifiers: ClinVar variation 3224455 (VCV003224455.1), dbSNP rs778647638, ClinGen allele CA2436593.